The following is an entry in ClinVar:

NM_022356.4(P3H1):c.1243G>T (p.Val415Leu)

Gene: P3H1 (prolyl 3-hydroxylase 1; minus strand). Cytogenetic location: 1p34.2.
Variant type: single nucleotide variant.
Coding change: c.1243G>T on transcript NM_022356.4 (MANE Select); coding-DNA position 1243, G replaced by T.
Protein change: p.Val415Leu; replaces valine 415 with leucine.
Molecular consequence: missense variant.
Genome position (GRCh38, 1-based): chr1:42,754,971, C>A on the plus strand (G>T on the coding strand, the complement: P3H1 is on the minus strand). VCF-style: chr1-42754971-C-A. GRCh37 (hg19) VCF-style: chr1-43220642-C-A.
Other names: c.1243G>T, p.Val415Leu (NM_001146289.2, NM_001243246.2); short protein forms V415L.
Identifiers: ClinVar variation 2194829 (VCV002194829.3), dbSNP rs147423732, ClinGen allele CA339957866.

ClinVar aggregate classification (germline): Uncertain significance (1 of 4 stars; one submission).

Conditions:
Osteogenesis imperfecta type 8 (OI8). Identifiers: MedGen C1970458, MONDO:0012581, OMIM 610915.

gnomAD v4.1: 18 of 1,614,174 alleles (0.0011%); highest among the groups gnomAD compares: Non-Finnish European, 0.0014%; no homozygotes.

Submission:

Labcorp Genetics (formerly Invitae), Labcorp
Classification: Uncertain significance for Osteogenesis imperfecta type 8. Last evaluated: 2025-04-28. Review status: criteria provided, single submitter. Criteria: Invitae Variant Classification Sherloc (09022015). Collection method: clinical testing. Allele origin: germline.
Comment: This sequence change replaces valine, which is neutral and non-polar, with leucine, which is neutral and non-polar, at codon 415 of the P3H1 protein (p.Val415Leu). This variant is present in population databases (no rsID available, gnomAD 0.003%). This variant has not been reported in the literature in individuals affected with P3H1-related conditions. ClinVar contains an entry for this variant (Variation ID: 2194829). Invitae Evidence Modeling of protein sequence and biophysical properties (such as structural, functional, and spatial information, amino acid conservation, physicochemical variation, residue mobility, and thermodynamic stability) indicates that this missense variant is not expected to disrupt P3H1 protein function with a negative predictive value of 80%. In summary, the available evidence is currently insufficient to determine the role of this variant in disease. Therefore, it has been classified as a Variant of Uncertain Significance.